The following is an entry in ClinVar:

ClinVar aggregate classification (germline): Uncertain significance. Review status: criteria provided, multiple submitters, no conflicts (2 of 4 stars). 3 submissions from 3 submitters: Uncertain significance (3). Last evaluated 2024-01-19.

Conditions:
Autosomal recessive limb-girdle muscular dystrophy type 2J (LGMDR10). Also called: Limb-girdle muscular dystrophy, type 2J; MUSCULAR DYSTROPHY, LIMB-GIRDLE, AUTOSOMAL RECESSIVE 10. Identifiers: Orphanet 140922, MedGen C1837342, MONDO:0012127, OMIM 608807.
Dilated cardiomyopathy 1G (CMD1G). Identifiers: Orphanet 154, MedGen C1858763, MONDO:0011400, OMIM 604145.

Allele frequency attached by ClinVar (database versions not stated): gnomAD exomes 0.00001.

Submissions (3):

Revvity Omics, Revvity
Classification: Uncertain significance. Last evaluated: 2024-01-19. Review status: criteria provided, single submitter. Criteria: ACMG Guidelines, 2015. Collection method: clinical testing. Allele origin: germline.

Women's Health and Genetics/Laboratory Corporation of America, LabCorp
Classification: Uncertain significance. Last evaluated: 2022-07-21. Review status: criteria provided, single submitter. Criteria: LabCorp Variant Classification Summary - May 2015. Collection method: clinical testing. Allele origin: germline.
Comment: Variant summary: TTN c.10363G>T (p.Ala3455Ser) results in a conservative amino acid change located in the I-band region of the encoded protein sequence. Four of five in-silico tools predict a benign effect of the variant on protein function. The variant allele was found at a frequency of 8.1e-06 in 245772 control chromosomes (gnomAD). The available data on variant occurrences in the general population are insufficient to allow any conclusion about variant significance. To our knowledge, no occurrence of c.10363G>T in individuals affected with Limb-Girdle Muscular Dystrophy, Type 2J and no experimental evidence demonstrating its impact on protein function have been reported. One clinical diagnostic laboratory has submitted clinical-significance assessments for this variant to ClinVar after 2014 without evidence for independent evaluation, and classified the variant as uncertain significance. Based on the evidence outlined above, the variant was classified as uncertain significance.

Labcorp Genetics (formerly Invitae), Labcorp
Classification: Uncertain significance for Dilated cardiomyopathy 1G; Autosomal recessive limb-girdle muscular dystrophy type 2J. Last evaluated: 2017-09-01. Review status: criteria provided, single submitter. Criteria: Invitae Variant Classification Sherloc (09022015). Collection method: clinical testing. Allele origin: germline.

NM_001267550.2(TTN):c.14095G>T (p.Ala4699Ser)

Gene: TTN (titin; minus strand). Cytogenetic location: 2q31.2.
Variant type: single nucleotide variant.
Coding change: c.14095G>T on transcript NM_001267550.2 (MANE Select); coding-DNA position 14095, G replaced by T.
Protein change: p.Ala4699Ser; replaces alanine 4699 with serine.
Molecular consequence: missense variant.
Genome position (GRCh38, 1-based): chr2:178,738,358, C>A on the plus strand (G>T on the coding strand, the complement: TTN is on the minus strand). VCF-style: chr2-178738358-C-A. GRCh37 (hg19) VCF-style: chr2-179603085-C-A.
Other names: c.13144G>T, p.Ala4382Ser (NM_001256850.1); c.13006G>T, p.Ala4336Ser (NM_003319.4); c.10363G>T, p.Ala3455Ser (NM_133378.4); c.13381G>T, p.Ala4461Ser (NM_133432.3); c.13582G>T, p.Ala4528Ser (NM_133437.4); short protein forms A4699S, A3455S, A4528S, A4461S, A4336S, A4382S.
Identifiers: ClinVar variation 535526 (VCV000535526.5), dbSNP rs1172448062, ClinGen allele CA349603054.